The following is an entry in ClinVar:

NM_032977.4(CASP10):c.529G>A (p.Val177Ile)

Gene: CASP10 (caspase 10; plus strand). Cytogenetic location: 2q33.1.
Variant type: single nucleotide variant.
Coding change: c.529G>A on transcript NM_032977.4 (MANE Select); coding-DNA position 529, G replaced by A.
Protein change: p.Val177Ile; replaces valine 177 with isoleucine.
Molecular consequence: missense variant.
Genome position (GRCh38, 1-based): chr2:201,193,071, G>A. VCF-style: chr2-201193071-G-A. GRCh37 (hg19) VCF-style: chr2-202057794-G-A.
Other names: c.529G>A, p.Val177Ile (NM_001206524.2, NM_001206542.2, NM_001230.5 and 3 more transcripts); short protein forms V177I.
Identifiers: ClinVar variation 2091914 (VCV002091914.4), dbSNP rs761610318, ClinGen allele CA350278975.

ClinVar aggregate classification (germline): Uncertain significance (1 of 4 stars; one submission).

Conditions:
Autoimmune lymphoproliferative syndrome type 2A (ALPS2A). Also called: CASP10-Related Autoimmune Lymphoproliferative Syndrome; AUTOIMMUNE LYMPHOPROLIFERATIVE SYNDROME, TYPE IIA; Autoimmune lymphoproliferative syndrome type 2. Identifiers: Orphanet 3261, MedGen C1858968, MONDO:0011383, OMIM 603909.

Submission:

Labcorp Genetics (formerly Invitae), Labcorp
Classification: Uncertain significance for Autoimmune lymphoproliferative syndrome type 2A. Last evaluated: 2022-10-24. Review status: criteria provided, single submitter. Criteria: Invitae Variant Classification Sherloc (09022015). Collection method: clinical testing. Allele origin: germline.
Comment: In summary, the available evidence is currently insufficient to determine the role of this variant in disease. Therefore, it has been classified as a Variant of Uncertain Significance. Advanced modeling of protein sequence and biophysical properties (such as structural, functional, and spatial information, amino acid conservation, physicochemical variation, residue mobility, and thermodynamic stability) performed at Invitae indicates that this missense variant is not expected to disrupt CASP10 protein function. This variant has not been reported in the literature in individuals affected with CASP10-related conditions. This variant is not present in population databases (gnomAD no frequency). This sequence change replaces valine, which is neutral and non-polar, with isoleucine, which is neutral and non-polar, at codon 177 of the CASP10 protein (p.Val177Ile).